The following is an entry in ClinVar:

ClinVar aggregate classification (germline): Likely benign (1 of 4 stars; one submission).

Conditions:
TMPRSS3-related disorder. Also called: TMPRSS3-related condition.

gnomAD v4.1: 2 of 1,611,644 alleles (0.00012%); highest among the groups gnomAD compares: Admixed American, 0.0017%; no homozygotes.

Submission:

PreventionGenetics, part of Exact Sciences
Classification: Likely benign for TMPRSS3-related condition. Last evaluated: 2026-09-04. Review status: criteria provided, single submitter. Criteria: ACMG Guidelines, 2015. Collection method: clinical testing. Allele origin: germline.
Comment: This variant is classified as likely benign based on ACMG/AMP sequence variant interpretation guidelines (Richards et al. 2015 PMID: 25741868, with internal and published modifications).

NM_001256317.3(TMPRSS3):c.94+10C>A

Genes: TMPRSS3 (transmembrane serine protease 3; minus strand), LOC126653388 (BRD4-independent group 4 enhancer GRCh37_chr21:43814254-43815453; plus strand). Cytogenetic location: 21q22.3.
Variant type: single nucleotide variant.
Coding change: c.94+10C>A on transcript NM_001256317.3 (MANE Select); 10 bases into the intron after coding-DNA position 94, C replaced by A.
Molecular consequence: intron variant.
Genome position (GRCh38, 1-based): chr21:42,395,314, G>T on the plus strand (C>A on the coding strand, the complement: TMPRSS3 is on the minus strand). VCF-style: chr21-42395314-G-T. GRCh37 (hg19) VCF-style: chr21-43815423-G-T.
Other names: c.94+10C>A (NM_024022.4, NM_032405.2).
Identifiers: ClinVar variation 4988776 (VCV004988776.1).
Genomic context (GRCh38, chr21:42,395,314, plus strand): 5'-GTCAGTCACATTGGTCACCTACATGAGGGTATGGGCAGAAATCACAGAGTCCTCACCTGG[G>T]TCCACTTACCTGGTGCAACAGGACTTATTTTCAAATCATCAAGGCCAAAAAGCGATCGGA-3'